The following is an entry in ClinVar:

ClinVar aggregate classification (germline): Uncertain significance (1 of 4 stars; one submission).

Conditions:
Brugada syndrome 4 (BRGDA4). Identifiers: Orphanet 130, MedGen C2678477, MONDO:0012743, OMIM 611876.

gnomAD v4.1: 1 of 1,608,634 alleles (0.000062%); highest among the groups gnomAD compares: Non-Finnish European, 0.000085%; no homozygotes.

Submission:

Labcorp Genetics (formerly Invitae), Labcorp
Classification: Uncertain significance for Brugada syndrome 4. Last evaluated: 2022-03-18. Review status: criteria provided, single submitter. Criteria: Invitae Variant Classification Sherloc (09022015). Collection method: clinical testing. Allele origin: germline.
Comment: Variants that disrupt the consensus splice site are a relatively common cause of aberrant splicing (PMID: 17576681, 9536098). Algorithms developed to predict the effect of sequence changes on RNA splicing suggest that this variant may disrupt the consensus splice site. This sequence change falls in intron 6 of the CACNB2 gene. It does not directly change the encoded amino acid sequence of the CACNB2 protein. It affects a nucleotide within the consensus splice site. This variant is present in population databases (no rsID available, gnomAD 0.0009%). This variant has not been reported in the literature in individuals affected with CACNB2-related conditions. In summary, the available evidence is currently insufficient to determine the role of this variant in disease. Therefore, it has been classified as a Variant of Uncertain Significance.

Literature cited by the submitters: PubMed 17576681; PubMed 9536098.

NM_201596.3(CACNB2):c.805-3C>A

Gene: CACNB2 (calcium voltage-gated channel auxiliary subunit beta 2; plus strand). Cytogenetic location: 10p12.31.
Variant type: single nucleotide variant.
Coding change: c.805-3C>A on transcript NM_201596.3 (MANE Select); 3 bases into the intron before coding-DNA position 805, C replaced by A.
Molecular consequence: intron variant.
Genome position (GRCh38, 1-based): chr10:18,518,333, C>A. VCF-style: chr10-18518333-C-A. GRCh37 (hg19) VCF-style: chr10-18807262-C-A.
Other names: c.721-3C>A (NM_201571.4); c.607-3C>A (NM_001167945.2); c.649-3C>A (NM_201572.4); c.691-3C>A (NM_201593.3); c.733-3C>A (NM_201597.3); c.640-3C>A (NM_000724.4); c.526-3C>A (NM_001330060.2); c.643-3C>A (NM_201590.3); and 1 more.
Identifiers: ClinVar variation 1461999 (VCV001461999.6), dbSNP rs764050459, ClinGen allele CA591852162.